The following is an entry in ClinVar:

NM_033448.3(KRT71):c.1270G>T (p.Ala424Ser)

Gene: KRT71 (keratin 71; minus strand). Cytogenetic location: 12q13.13.
Variant type: single nucleotide variant.
Coding change: c.1270G>T on transcript NM_033448.3 (MANE Select); coding-DNA position 1270, G replaced by T.
Protein change: p.Ala424Ser; replaces alanine 424 with serine.
Molecular consequence: missense variant.
Genome position (GRCh38, 1-based): chr12:52,546,341, C>A on the plus strand (G>T on the coding strand, the complement: KRT71 is on the minus strand). VCF-style: chr12-52546341-C-A. GRCh37 (hg19) VCF-style: chr12-52940125-C-A.
Other names: short protein forms A424S.
Identifiers: ClinVar variation 4767593 (VCV004767593.1).

ClinVar aggregate classification (germline): Uncertain significance (1 of 4 stars; one submission).

gnomAD v4.1: 1 of 1,614,068 alleles (0.000062%); highest among the groups gnomAD compares: African/African-American, 0.0013%; no homozygotes.

Submission:

Labcorp Genetics (formerly Invitae), Labcorp
Classification: Uncertain significance. Last evaluated: 2025-10-27. Review status: criteria provided, single submitter. Criteria: Invitae Variant Classification Sherloc (09022015). Collection method: clinical testing. Allele origin: germline.
Comment: This sequence change replaces alanine, which is neutral and non-polar, with serine, which is neutral and polar, at codon 424 of the KRT71 protein (p.Ala424Ser). This variant is not present in population databases (gnomAD no frequency). This variant has not been reported in the literature in individuals affected with KRT71-related conditions. Invitae Evidence Modeling of protein sequence and biophysical properties (such as structural, functional, and spatial information, amino acid conservation, physicochemical variation, residue mobility, and thermodynamic stability) indicates that this missense variant is not expected to disrupt KRT71 protein function with a negative predictive value of 80%. In summary, the available evidence is currently insufficient to determine the role of this variant in disease. Therefore, it has been classified as a Variant of Uncertain Significance.